The following is an entry in ClinVar:

NM_000531.6(OTC):c.497T>C (p.Leu166Ser)

Gene: OTC (ornithine transcarbamylase; plus strand). Cytogenetic location: Xp11.4.
Variant type: single nucleotide variant.
Coding change: c.497T>C on transcript NM_000531.6 (MANE Select); coding-DNA position 497, T replaced by C.
Protein change: p.Leu166Ser; replaces leucine 166 with serine.
Molecular consequence: missense variant.
Genome position (GRCh38, 1-based): chrX:38,401,385, T>C. VCF-style: chrX-38401385-T-C. GRCh37 (hg19) VCF-style: chrX-38260638-T-C.
Other names: c.497T>C, p.Leu166Ser (NM_001407092.1); short protein forms L166S.
Identifiers: ClinVar variation 3069921 (VCV003069921.1), dbSNP rs2519973545, ClinGen allele CA412723743.

ClinVar aggregate classification (germline): Uncertain significance (1 of 4 stars; one submission).

Conditions:
Ornithine carbamoyltransferase deficiency (OTCD). Also called: OTC DEFICIENCY; Ornithine Carbamoyltransferase Deficiency Disease; ORNITHINE TRANSCARBAMYLASE DEFICIENCY; ORNITHINE TRANSCARBAMYLASE DEFICIENCY, HYPERAMMONEMIA DUE TO. Identifiers: Orphanet 664, MedGen C0268542, MONDO:0010703, OMIM 311250.

Submission:

All of Us Research Program, National Institutes of Health
Classification: Uncertain significance for Ornithine carbamoyltransferase deficiency. Last evaluated: 2023-03-23. Review status: criteria provided, single submitter. Criteria: ACMG Guidelines, 2015. Collection method: clinical testing. Allele origin: germline. Inheritance: X-linked inheritance. Observed: 1 variant allele, 1 heterozygote.
Comment: This missense variant replaces leucine with serine at codon 166 of the OTC protein. Computational prediction is inconclusive regarding the impact of this variant on protein structure and function (internally defined REVEL score threshold 0.5 < inconclusive < 0.7, PMID: 27666373). To our knowledge, functional studies have not been reported for this variant. This variant has not been reported in individuals affected with ornithine carbamoyltransferase deficiency in the literature. This variant has not been identified in the general population by the Genome Aggregation Database (gnomAD). The available evidence is insufficient to determine the role of this variant in disease conclusively. Therefore, this variant is classified as a Variant of Uncertain Significance.

This study involves interpretation of variants in research participants for the purpose of population health screening. Participant phenotype was not available at the time of variant classification. Additional details can be found in publication PMID: 35346344, PMCID: PMC8962531